The following is an entry in ClinVar:

ClinVar aggregate classification (germline): Uncertain significance. Review status: criteria provided, multiple submitters, no conflicts (2 of 4 stars). 2 submissions from 2 submitters: Uncertain significance (2). Last evaluated 2024-11-01.

Conditions:
Developmental and epileptic encephalopathy, 2 (DEE2). Also called: INFANTILE SPASM SYNDROME, X-LINKED 2; CDKL5 deficiency disorder. Identifiers: Orphanet 1934, Orphanet 3451, Orphanet 505652, MedGen C4750718, MONDO:0010396, OMIM 300672.
Angelman syndrome-like. Identifiers: MedGen CN128785.

gnomAD v4.1: 4 of 1,207,128 alleles (0.00033%); highest among the groups gnomAD compares: Non-Finnish European, 0.00045%; no homozygotes.

Submissions (2):

CeGaT Center for Human Genetics Tuebingen
Classification: Uncertain significance. Last evaluated: 2024-11-01. Review status: criteria provided, single submitter. Criteria: CeGaT Center For Human Genetics Tuebingen Variant Classification Criteria Version 2. Collection method: clinical testing. Allele origin: germline. Affected: yes. Observed: 1 variant allele.
Comment: CDKL5: PM2

Labcorp Genetics (formerly Invitae), Labcorp
Classification: Uncertain significance for Developmental and epileptic encephalopathy, 2; Angelman syndrome-like. Last evaluated: 2024-04-17. Review status: criteria provided, single submitter. Criteria: Invitae Variant Classification Sherloc (09022015). Collection method: clinical testing. Allele origin: germline.
Comment: This sequence change replaces methionine, which is neutral and non-polar, with valine, which is neutral and non-polar, at codon 657 of the CDKL5 protein (p.Met657Val). This variant is not present in population databases (gnomAD no frequency). This variant has not been reported in the literature in individuals affected with CDKL5-related conditions. Advanced modeling of protein sequence and biophysical properties (such as structural, functional, and spatial information, amino acid conservation, physicochemical variation, residue mobility, and thermodynamic stability) performed at Invitae indicates that this missense variant is not expected to disrupt CDKL5 protein function with a negative predictive value of 95%. In summary, the available evidence is currently insufficient to determine the role of this variant in disease. Therefore, it has been classified as a Variant of Uncertain Significance.

NM_001323289.2(CDKL5):c.1969A>G (p.Met657Val)

Gene: CDKL5 (cyclin dependent kinase like 5; plus strand). Cytogenetic location: Xp22.13.
Variant type: single nucleotide variant.
Coding change: c.1969A>G on transcript NM_001323289.2 (MANE Select); coding-DNA position 1969, A replaced by G.
Protein change: p.Met657Val; replaces methionine 657 with valine.
Molecular consequence: missense variant.
Genome position (GRCh38, 1-based): chrX:18,608,835, A>G. VCF-style: chrX-18608835-A-G. GRCh37 (hg19) VCF-style: chrX-18626955-A-G.
Other names: c.1969A>G, p.Met657Val (NM_001037343.2, NM_003159.3); short protein forms M657V.
Identifiers: ClinVar variation 3390063 (VCV003390063.16).